The following is an entry in ClinVar:

ClinVar aggregate classification (germline): Uncertain significance (1 of 4 stars; one submission).

Conditions:
Hereditary cancer-predisposing syndrome. Also called: Neoplastic Syndromes, Hereditary; Tumor predisposition; Hereditary Cancer Syndrome; Hereditary neoplastic syndrome. Identifiers: Orphanet 140162, MedGen C0027672, MeSH D009386, MONDO:0015356.

Submission:

Ambry Genetics
Classification: Uncertain significance for Hereditary cancer-predisposing syndrome. Last evaluated: 2026-07-06. Review status: criteria provided, single submitter. Criteria: Ambry Variant Classification Scheme 2023. Collection method: clinical testing. Allele origin: germline.
Comment: The p.S331F variant (also known as c.992C>T), located in coding exon 7 of the PTCH1 gene, results from a C to T substitution at nucleotide position 992. The serine at codon 331 is replaced by phenylalanine, an amino acid with highly dissimilar properties. This amino acid position is highly conserved in available vertebrate species. In addition, this alteration is predicted to be deleterious by in silico analysis. Based on the available evidence, the clinical significance of this variant remains unclear.

NM_000264.5(PTCH1):c.992C>T (p.Ser331Phe)

Gene: PTCH1 (patched 1; minus strand). Cytogenetic location: 9q22.32.
Variant type: single nucleotide variant.
Coding change: c.992C>T on transcript NM_000264.5 (MANE Select); coding-DNA position 992, C replaced by T.
Protein change: p.Ser331Phe; replaces serine 331 with phenylalanine.
Molecular consequence: missense variant. On other transcripts: non-coding transcript variant (1).
Genome position (GRCh38, 1-based): chr9:95,480,044, G>A on the plus strand (C>T on the coding strand, the complement: PTCH1 is on the minus strand). VCF-style: chr9-95480044-G-A. GRCh37 (hg19) VCF-style: chr9-98242326-G-A.
Other names: c.539C>T, p.Ser180Phe (NM_001083607.3, NM_001083604.3, NM_001083605.3 and 1 more transcripts); c.992C>T, p.Ser331Phe (NM_001354918.2); c.794C>T, p.Ser265Phe (NM_001083602.3); c.989C>T, p.Ser330Phe (NM_001083603.3); short protein forms S180F, S265F, S330F, S331F.
Identifiers: ClinVar variation 3231066 (VCV003231066.2), dbSNP rs1841408288, ClinGen allele CA374119720.